The following is an entry in ClinVar:

ClinVar aggregate classification (germline): Uncertain significance (1 of 4 stars; one submission).

Conditions:
Cardiovascular phenotype. Identifiers: MedGen CN230736.

gnomAD v4.1: 8 of 1,614,002 alleles (0.0005%); highest among the groups gnomAD compares: East Asian, 0.0022%; no homozygotes.

Submission:

Ambry Genetics
Classification: Uncertain significance for Cardiovascular phenotype. Last evaluated: 2025-05-17. Review status: criteria provided, single submitter. Criteria: Ambry Variant Classification Scheme 2023. Collection method: clinical testing. Allele origin: germline.
Comment: The p.V899M variant (also known as c.2695G>A), located in coding exon 18 of the ABCA1 gene, results from a G to A substitution at nucleotide position 2695. The valine at codon 899 is replaced by methionine, an amino acid with highly similar properties. This amino acid position is conserved. In addition, the in silico prediction for this alteration is inconclusive. Based on the available evidence, the clinical significance of this variant remains unclear.

NM_005502.4(ABCA1):c.2695G>A (p.Val899Met)

Gene: ABCA1 (ATP binding cassette subfamily A member 1; minus strand). Cytogenetic location: 9q31.1.
Variant type: single nucleotide variant.
Coding change: c.2695G>A on transcript NM_005502.4 (MANE Select); coding-DNA position 2695, G replaced by A.
Protein change: p.Val899Met; replaces valine 899 with methionine.
Molecular consequence: missense variant.
Genome position (GRCh38, 1-based): chr9:104,822,629, C>T on the plus strand (G>A on the coding strand, the complement: ABCA1 is on the minus strand). VCF-style: chr9-104822629-C-T. GRCh37 (hg19) VCF-style: chr9-107584910-C-T.
Other names: short protein forms V899M.
Identifiers: ClinVar variation 3933543 (VCV003933543.1).
Genomic context (GRCh38, chr9:104,822,629, plus strand): 5'-GGCCATCGACAGCCACCTTCATCCCATCTCGGTAGACTTTTACCAGGTTCTGAATGGACA[C>T]GCCCAGCTTCAAGTGGGTGGGTTCCTCCTCCATGCAGACTGTGACAGGAGAGAAGACAGA-3'
Protein context (NP_005493.2, residues 889-909): EEEPTHLKLG[Val899Met]SIQNLVKVYR